The following is an entry in ClinVar:

NM_170606.3(KMT2C):c.12674G>A (p.Arg4225Gln)

Gene: KMT2C (lysine methyltransferase 2C; minus strand). Cytogenetic location: 7q36.1.
Variant type: single nucleotide variant.
Coding change: c.12674G>A on transcript NM_170606.3 (MANE Select); coding-DNA position 12674, G replaced by A.
Protein change: p.Arg4225Gln; replaces arginine 4225 with glutamine.
Molecular consequence: missense variant.
Genome position (GRCh38, 1-based): chr7:152,151,000, C>T on the plus strand (G>A on the coding strand, the complement: KMT2C is on the minus strand). VCF-style: chr7-152151000-C-T. GRCh37 (hg19) VCF-style: chr7-151848085-C-T.
Other names: c.12674G>A (NM_170606.2); short protein forms R4225Q.
Identifiers: ClinVar variation 1712288 (VCV001712288.6), dbSNP rs781715925, ClinGen allele CA4578738.
Genomic context (GRCh38, chr7:152,151,000, plus strand): 5'-AGAATAAAGCAGTTATTACTACAGAAGACAATGTCCTTCTCTACCCTCTTGGTGCTTTCT[C>T]GGGAATCCTGAAAAGCAAAGAGAAATGTGTGGGAATCTCAACAAGTCAAAATTTAATAAA-3'
Protein context (NP_733751.2, residues 4215-4235): KDLTLLNKDS[Arg4225Gln]ESTKRVEKDI

ClinVar aggregate classification (germline): Uncertain significance. Review status: criteria provided, multiple submitters, no conflicts (2 of 4 stars). 3 submissions from 3 submitters: Uncertain significance (2). 1 of the submissions does not count toward it. Last evaluated 2021-08-10.

Conditions:
KMT2C-related disorder. Also called: KMT2C-related condition; KMT2C-related disorders.
Kleefstra syndrome 2 (KLEFS2). Identifiers: MedGen C4540395, MONDO:0054701, OMIM 617768.
Inborn genetic diseases. Identifiers: MedGen C0950123, MeSH D030342.

Allele frequency attached by ClinVar (database versions not stated): gnomAD 0.00001; ExAC 0.00002; gnomAD exomes 0.00002; TOPMed 0.00002.
gnomAD v4.1: 36 of 1,598,864 alleles (0.0023%); highest among the groups gnomAD compares: East Asian, 0.047%; no homozygotes.

Submissions (3):

Ambry Genetics
Classification: Uncertain significance for Inborn genetic diseases. Last evaluated: 2021-08-10. Review status: criteria provided, single submitter. Criteria: Ambry Variant Classification Scheme 2023. Collection method: clinical testing. Allele origin: germline.

UNC Molecular Genetics  Laboratory, University of North Carolina at Chapel Hill
Classification: Uncertain significance for Kleefstra syndrome 2. Review status: criteria provided, single submitter. Criteria: ACMG Guidelines, 2015. Collection method: research. Allele origin: unknown. Observed: 1 variant allele. Study: CSER_NCGENES_2.
Comment: KMT2C c.12674G>A p.(Arg4225Gln) is a missense variant which is predicted to change a single amino acid in the encoded protein from arginine to glutamine. This variant is observed in 2/247056 alleles (0.0008%) in gnomAD. Nearly all KMT2C variants reported to date in association with autosomal dominant Kleefstra syndrome are de novo protein truncating variants. However, as the effect of this missense variant on protein function is unknown, it is considered a variant of uncertain significance.

PreventionGenetics, part of Exact Sciences
Classification: Uncertain significance for KMT2C-related condition. Last evaluated: 2024-01-29. Review status: no assertion criteria provided. Collection method: clinical testing. Allele origin: germline. Not counted in ClinVar's aggregate classification.
Comment: The KMT2C c.12674G>A variant is predicted to result in the amino acid substitution p.Arg4225Gln. To our knowledge, this variant has not been reported in the literature. This variant is reported in 0.0018% of alleles in individuals of European (Non-Finnish) descent in gnomAD. At this time, the clinical significance of this variant is uncertain due to the absence of conclusive functional and genetic evidence.